The following is an entry in ClinVar:

NM_013275.6(ANKRD11):c.7421G>A (p.Gly2474Asp)

Gene: ANKRD11 (ankyrin repeat domain containing 11; minus strand). Cytogenetic location: 16q24.3.
Variant type: single nucleotide variant.
Coding change: c.7421G>A on transcript NM_013275.6 (MANE Select); coding-DNA position 7421, G replaced by A.
Protein change: p.Gly2474Asp; replaces glycine 2474 with aspartic acid.
Molecular consequence: missense variant.
Genome position (GRCh38, 1-based): chr16:89,279,121, C>T on the plus strand (G>A on the coding strand, the complement: ANKRD11 is on the minus strand). VCF-style: chr16-89279121-C-T. GRCh37 (hg19) VCF-style: chr16-89345529-C-T.
Other names: c.7421G>A, p.Gly2474Asp (NM_001256182.2, NM_001256183.2); short protein forms G2474D.
Identifiers: ClinVar variation 2574416 (VCV002574416.1), dbSNP rs1490852338, ClinGen allele CA397148384.
Genomic context (GRCh38, chr16:89,279,121, plus strand): 5'-CCCGCACTCACCACGGGGATGTGGAGCTTGCTGAGCGGCTTGCCGTCCAGGAGGTAGGAG[C>T]CCGTGTAGGTGACGTACTCGGCGTAGCACTGGGGCGCCTGCGGCGTGATACAGCACAGGA-3'
Protein context (NP_037407.4, residues 2464-2484): QCYAEYVTYT[Gly2474Asp]SYLLDGKPLS

ClinVar aggregate classification (germline): Uncertain significance (1 of 4 stars; one submission).

Submission:

GeneDx
Classification: Uncertain significance. Last evaluated: 2023-01-25. Review status: criteria provided, single submitter. Criteria: GeneDx Variant Classification Process June 2021. Collection method: clinical testing. Allele origin: germline. Affected: yes.
Comment: Not observed at significant frequency in large population cohorts (gnomAD); In silico analysis supports that this missense variant has a deleterious effect on protein structure/function; Has not been previously published as pathogenic or benign to our knowledge